The following is an entry in ClinVar:

ClinVar aggregate classification (germline): Likely benign. Review status: reviewed by expert panel (3 of 4 stars). 5 submissions from 5 submitters: Likely benign (1). 4 of the submissions do not count toward it. Last evaluated 2017-06-29.

Conditions:
Hereditary cancer-predisposing syndrome. Also called: Tumor predisposition; Hereditary neoplastic syndrome; Neoplastic Syndromes, Hereditary; Hereditary Cancer Syndrome. Identifiers: Orphanet 140162, MedGen C0027672, MeSH D009386, MONDO:0015356.
Breast neoplasm. Also called: Neoplasm of breast; Breast tumor; Neoplasm of the breast; Breast Neoplasms. Identifiers: MedGen C1458155, MeSH D001943, MONDO:0021100, HP:0100013. Disease mechanism: gain of function.
Hereditary breast ovarian cancer syndrome. Also called: Hereditary breast and ovarian cancer; BRCA1- and BRCA2-Associated Hereditary Breast and Ovarian Cancer; Hereditary breast and/or ovarian cancer syndrome; Hereditary breast and ovarian cancer syndrome; Hereditary breast and ovarian cancer syndrome (HBOC); Breast and ovarian cancer. Identifiers: Orphanet 145, MedGen C0677776, MeSH D061325, MONDO:0003582. Disease mechanism: loss of function.
Breast-ovarian cancer, familial, susceptibility to, 2 (BROVCA2). Also called: BRCA2 Hereditary Breast and Ovarian Cancer. Identifiers: Orphanet 145, MedGen C2675520, MONDO:0012933, OMIM 612555. Disease mechanism: loss of function.

Submissions (5):

Evidence-based Network for the Interpretation of Germline Mutant Alleles (ENIGMA)
Classification: Likely benign for Breast-ovarian cancer, familial, susceptibility to, 2. Last evaluated: 2017-06-29. Review status: reviewed by expert panel. Criteria: ENIGMA BRCA1/2 Classification Criteria (2017-06-29). Collection method: curation. Allele origin: germline.
Comment: Synonymous substitution variant, with low bioinformatic likelihood to result in a splicing aberration (Splicing prior probability 0.02).

Ambry Genetics
Classification: Likely benign for Hereditary cancer-predisposing syndrome. Last evaluated: 2025-09-10. Review status: criteria provided, single submitter. Criteria: Ambry Variant Classification Scheme 2023. Collection method: clinical testing. Allele origin: germline. Not counted in ClinVar's aggregate classification.

Labcorp Genetics (formerly Invitae), Labcorp
Classification: Likely benign for Hereditary breast ovarian cancer syndrome. Last evaluated: 2022-02-17. Review status: criteria provided, single submitter. Criteria: Invitae Variant Classification Sherloc (09022015). Collection method: clinical testing. Allele origin: germline. Not counted in ClinVar's aggregate classification.

Color Diagnostics, LLC DBA Color Health
Classification: Likely benign for Hereditary cancer-predisposing syndrome. Last evaluated: 2018-05-15. Review status: criteria provided, single submitter. Criteria: ACMG Guidelines, 2015. Collection method: clinical testing. Allele origin: germline. Not counted in ClinVar's aggregate classification.

Laboratory of Molecular Diagnosis of Cancer, West China Hospital, Sichuan University
Classification: Uncertain significance for Breast neoplasm. Last evaluated: 2015-11-01. Review status: criteria provided, single submitter. Criteria: ACMG Guidelines, 2015. Collection method: research. Allele origin: germline. Affected: yes. Observed: 2 variant alleles. Not counted in ClinVar's aggregate classification.

Literature cited by the submitters: PubMed 27257965 (cited by Laboratory of Molecular Diagnosis of Cancer, West China Hospital, Sichuan University).

NM_000059.4(BRCA2):c.2136G>T (p.Leu712=)

Gene: BRCA2 (BRCA2 DNA repair associated; plus strand). Cytogenetic location: 13q13.1.
Variant type: single nucleotide variant.
Coding change: c.2136G>T on transcript NM_000059.4 (MANE Select); coding-DNA position 2136, G replaced by T.
Protein change: p.Leu712=; no amino-acid change (leucine 712 retained).
Molecular consequence: synonymous variant.
Genome position (GRCh38, 1-based): chr13:32,336,491, G>T. VCF-style: chr13-32336491-G-T. GRCh37 (hg19) VCF-style: chr13-32910628-G-T.
Identifiers: ClinVar variation 224467 (VCV000224467.11), dbSNP rs886037813, ClinGen allele CA10575912.
Genomic context (GRCh38, chr13:32,336,491, plus strand): 5'-ATGTAATAAGGAAAAACTACAGTTATTTATTACCCCAGAAGCTGATTCTCTGTCATGCCT[G>T]CAGGAAGGACAGTGTGAAAATGATCCAAAAAGCAAAAAAGTTTCAGATATAAAAGAAGAG-3'
Protein context (NP_000050.3, residues 702-722): ITPEADSLSC[Leu712=]QEGQCENDPK